The following is an entry in ClinVar:

ClinVar aggregate classification (germline): Uncertain significance (1 of 4 stars; one submission).

Submission:

Ambry Genetics
Classification: Uncertain significance. Last evaluated: 2026-05-21. Review status: criteria provided, single submitter. Criteria: Ambry Variant Classification Scheme 2023. Collection method: clinical testing. Allele origin: germline.
Comment: The p.T723R variant (also known as c.2168C>G), located in coding exon 12 of the ATRIP gene, results from a C to G substitution at nucleotide position 2168. The threonine at codon 723 is replaced by arginine, an amino acid with similar properties. This amino acid position is conserved. In addition, this alteration is predicted to be tolerated by in silico analysis. Based on the available evidence, the clinical significance of this variant remains unclear.

NM_130384.3(ATRIP):c.2168C>G (p.Thr723Arg)

Genes: ATRIP (ATR interacting protein; plus strand), ATRIP-TREX1 (ATRIP-TREX1 readthrough; plus strand). Cytogenetic location: 3p21.31.
Variant type: single nucleotide variant.
Coding change: c.2168C>G on transcript NM_130384.3 (MANE Select); coding-DNA position 2168, C replaced by G.
Protein change: p.Thr723Arg; replaces threonine 723 with arginine.
Molecular consequence: missense variant. On other transcripts: non-coding transcript variant (1).
Genome position (GRCh38, 1-based): chr3:48,464,943, C>G. VCF-style: chr3-48464943-C-G. GRCh37 (hg19) VCF-style: chr3-48506342-C-G.
Other names: c.1787C>G, p.Thr596Arg (NM_001271022.2); c.1889C>G, p.Thr630Arg (NM_001271023.2); c.2087C>G, p.Thr696Arg (NM_032166.4); short protein forms T596R, T630R, T696R, T723R.
Identifiers: ClinVar variation 4867249 (VCV004867249.1).
Genomic context (GRCh38, chr3:48,464,943, plus strand): 5'-GGGCAGGGGGACCCCCAAGGACCGACCAGCAGAGGCGGACAGTGCGCTGTCTGCGGGACA[C>G]GGTGCTGCTGCTGCACGGCCTATCGCAGAAGGACAAGCTCTTCATGATGCACTGCGTGGA-3'
Protein context (NP_569055.1, residues 713-733): QRRTVRCLRD[Thr723Arg]VLLLHGLSQK